The following is an entry in ClinVar:

NM_014679.5(CEP57):c.142A>T (p.Ser48Cys)

Gene: CEP57 (centrosomal protein 57; plus strand). Cytogenetic location: 11q21.
Variant type: single nucleotide variant.
Coding change: c.142A>T on transcript NM_014679.5 (MANE Select); coding-DNA position 142, A replaced by T.
Protein change: p.Ser48Cys; replaces serine 48 with cysteine.
Molecular consequence: missense variant.
Genome position (GRCh38, 1-based): chr11:95,799,328, A>T. VCF-style: chr11-95799328-A-T. GRCh37 (hg19) VCF-style: chr11-95532492-A-T.
Other names: c.115A>T, p.Ser39Cys (NM_001243776.2); c.142A>T, p.Ser48Cys (NM_001243777.2); c.61A>T, p.Ser21Cys (NM_001363604.2); short protein forms S21C, S39C, S48C.
Identifiers: ClinVar variation 2439913 (VCV002439913.6), dbSNP rs766124955, ClinGen allele CA382415795.

ClinVar aggregate classification (germline): Uncertain significance. Review status: criteria provided, multiple submitters, no conflicts (2 of 4 stars). 3 submissions from 3 submitters: Uncertain significance (3). Last evaluated 2025-03-04.

Conditions:
Inborn genetic diseases. Identifiers: MedGen C0950123, MeSH D030342.
Mosaic variegated aneuploidy syndrome 2 (MVA2). Identifiers: Orphanet 1052, MedGen C3279843, MONDO:0013582, OMIM 614114.

gnomAD v4.1: 1 of 1,614,104 alleles (0.000062%); highest among the groups gnomAD compares: Admixed American, 0.0017%; no homozygotes.

Submissions (3):

Ambry Genetics
Classification: Uncertain significance for Inborn genetic diseases. Last evaluated: 2025-03-04. Review status: criteria provided, single submitter. Criteria: Ambry Variant Classification Scheme 2023. Collection method: clinical testing. Allele origin: germline.
Comment: The p.S48C variant (also known as c.142A>T), located in coding exon 2 of the CEP57 gene, results from an A to T substitution at nucleotide position 142. The serine at codon 48 is replaced by cysteine, an amino acid with dissimilar properties. This amino acid position is conserved. In addition, this alteration is predicted to be tolerated by in silico analysis. Based on the available evidence, the clinical significance of this variant remains unclear.

Labcorp Genetics (formerly Invitae), Labcorp
Classification: Uncertain significance for Mosaic variegated aneuploidy syndrome 2. Last evaluated: 2024-10-19. Review status: criteria provided, single submitter. Criteria: Invitae Variant Classification Sherloc (09022015). Collection method: clinical testing. Allele origin: germline.
Comment: This sequence change replaces serine, which is neutral and polar, with cysteine, which is neutral and slightly polar, at codon 48 of the CEP57 protein (p.Ser48Cys). This variant is present in population databases (no rsID available, gnomAD 0.003%). This variant has not been reported in the literature in individuals affected with CEP57-related conditions. ClinVar contains an entry for this variant (Variation ID: 2439913). Invitae Evidence Modeling of protein sequence and biophysical properties (such as structural, functional, and spatial information, amino acid conservation, physicochemical variation, residue mobility, and thermodynamic stability) indicates that this missense variant is not expected to disrupt CEP57 protein function with a negative predictive value of 80%. In summary, the available evidence is currently insufficient to determine the role of this variant in disease. Therefore, it has been classified as a Variant of Uncertain Significance.

Revvity Omics, Revvity
Classification: Uncertain significance for Mosaic variegated aneuploidy syndrome 2. Last evaluated: 2020-03-31. Review status: criteria provided, single submitter. Criteria: ACMG Guidelines, 2015. Collection method: clinical testing. Allele origin: germline.